The following is an entry in ClinVar:

NM_000027.4(AGA):c.807-166G>T

Gene: AGA (aspartylglucosaminidase; minus strand). Cytogenetic location: 4q34.3.
Variant type: single nucleotide variant.
Coding change: c.807-166G>T on transcript NM_000027.4 (MANE Select); 166 bases into the intron before coding-DNA position 807, G replaced by T.
Molecular consequence: intron variant.
Genome position (GRCh38, 1-based): chr4:177,433,513, C>A on the plus strand (G>T on the coding strand, the complement: AGA is on the minus strand). VCF-style: chr4-177433513-C-A. GRCh37 (hg19) VCF-style: chr4-178354667-C-A.
Other names: c.777-166G>T (NM_001171988.2).
Identifiers: ClinVar variation 683253 (VCV000683253.1), dbSNP rs2279931, ClinGen allele CA11841823.

ClinVar aggregate classification (germline): Benign (1 of 4 stars; one submission).

Allele frequency attached by ClinVar (database versions not stated): 1000 Genomes Project 30x 0.64741; 1000 Genomes Project 0.65515; TOPMed 0.66763; gnomAD 0.68407 and 0.68912.
gnomAD v4.1: 105,026 of 152,216 alleles (69%); highest among the groups gnomAD compares: Non-Finnish European, 82%; 38,081 homozygotes.

Submission:

GeneDx
Classification: Benign. Last evaluated: 2018-06-19. Review status: criteria provided, single submitter. Criteria: GeneDx Variant Classification (06012015). Collection method: clinical testing. Allele origin: germline. Affected: yes.
Comment: This variant is considered likely benign or benign based on one or more of the following criteria: it is a conservative change, it occurs at a poorly conserved position in the protein, it is predicted to be benign by multiple in silico algorithms, and/or has population frequency not consistent with disease.